The following is an entry in ClinVar:

NM_002906.4(RDX):c.1696C>T (p.Arg566Ter)

Gene: RDX (radixin; minus strand). Cytogenetic location: 11q22.3.
Variant type: single nucleotide variant.
Coding change: c.1696C>T on transcript NM_002906.4 (MANE Select); coding-DNA position 1696, C replaced by T.
Protein change: p.Arg566Ter; replaces arginine 566 with a stop codon.
Molecular consequence: nonsense.
Genome position (GRCh38, 1-based): chr11:110,231,925, G>A on the plus strand (C>T on the coding strand, the complement: RDX is on the minus strand). VCF-style: chr11-110231925-G-A. GRCh37 (hg19) VCF-style: chr11-110102650-G-A.
Other names: c.1696C>T, p.Arg566Ter (NM_001260492.2, NM_001260493.2); c.1288C>T, p.Arg430Ter (NM_001260494.2); c.655C>T, p.Arg219Ter (NM_001260495.2); c.484C>T, p.Arg162Ter (NM_001260496.2); short protein forms R162*, R219*, R430*, R566*.
Identifiers: ClinVar variation 3609181 (VCV003609181.2).

ClinVar aggregate classification (germline): Uncertain significance (1 of 4 stars; one submission).

Submission:

Labcorp Genetics (formerly Invitae), Labcorp
Classification: Uncertain significance. Last evaluated: 2024-08-26. Review status: criteria provided, single submitter. Criteria: Invitae Variant Classification Sherloc (09022015). Collection method: clinical testing. Allele origin: germline.
Comment: This sequence change creates a premature translational stop signal (p.Arg566*) in the RDX gene. While this is not anticipated to result in nonsense mediated decay, it is expected to disrupt the last 18 amino acid(s) of the RDX protein. This variant is not present in population databases (gnomAD no frequency). This variant has not been reported in the literature in individuals affected with RDX-related conditions. Experimental studies and prediction algorithms are not available or were not evaluated, and the functional significance of this variant is currently unknown. In summary, the available evidence is currently insufficient to determine the role of this variant in disease. Therefore, it has been classified as a Variant of Uncertain Significance.